The following is an entry in ClinVar:

ClinVar aggregate classification (germline): Uncertain significance (1 of 4 stars; one submission).

Submission:

Labcorp Genetics (formerly Invitae), Labcorp
Classification: Uncertain significance. Last evaluated: 2024-10-23. Review status: criteria provided, single submitter. Criteria: Invitae Variant Classification Sherloc (09022015). Collection method: clinical testing. Allele origin: germline.
Comment: This sequence change replaces proline, which is neutral and non-polar, with serine, which is neutral and polar, at codon 394 of the ARID1A protein (p.Pro394Ser). This variant is not present in population databases (gnomAD no frequency). This variant has not been reported in the literature in individuals affected with ARID1A-related conditions. Invitae Evidence Modeling of protein sequence and biophysical properties (such as structural, functional, and spatial information, amino acid conservation, physicochemical variation, residue mobility, and thermodynamic stability) indicates that this missense variant is not expected to disrupt ARID1A protein function with a negative predictive value of 95%. In summary, the available evidence is currently insufficient to determine the role of this variant in disease. Therefore, it has been classified as a Variant of Uncertain Significance.

NM_006015.6(ARID1A):c.1180C>T (p.Pro394Ser)

Gene: ARID1A (AT-rich interaction domain 1A; plus strand). Cytogenetic location: 1p36.11.
Variant type: single nucleotide variant.
Coding change: c.1180C>T on transcript NM_006015.6 (MANE Select); coding-DNA position 1180, C replaced by T.
Protein change: p.Pro394Ser; replaces proline 394 with serine.
Molecular consequence: missense variant.
Genome position (GRCh38, 1-based): chr1:26,729,693, C>T. VCF-style: chr1-26729693-C-T. GRCh37 (hg19) VCF-style: chr1-27056184-C-T.
Other names: c.1180C>T, p.Pro394Ser (NM_139135.4); short protein forms P394S.
Identifiers: ClinVar variation 3698698 (VCV003698698.2).